The following is an entry in ClinVar:

ClinVar aggregate classification (germline): Conflicting classifications of pathogenicity. Review status: criteria provided, conflicting classifications (1 of 4 stars). 7 submissions from 7 submitters: Uncertain significance (1); Benign (3); Likely benign (1). 2 of the submissions do not count toward it. Last evaluated 2026-02-01.

Conditions:
Cone-rod dystrophy 7 (CORD7). Identifiers: Orphanet 1872, MedGen C1863634, MONDO:0011355, OMIM 603649.

Allele frequency attached by ClinVar (database versions not stated): ESP Exome Variant Server 0.00071; 1000 Genomes Project 30x 0.00078; TOPMed 0.00087; 1000 Genomes Project 0.00100; gnomAD 0.00100 and 0.00104; gnomAD exomes 0.00130 and 0.00168; ExAC 0.00196.
gnomAD v4.1: 2,478 of 1,556,046 alleles (0.16%); highest among the groups gnomAD compares: South Asian, 0.26%; 6 homozygotes.

Submissions (7):

Labcorp Genetics (formerly Invitae), Labcorp
Classification: Benign. Last evaluated: 2026-02-01. Review status: criteria provided, single submitter. Criteria: Invitae Variant Classification Sherloc (09022015). Collection method: clinical testing. Allele origin: germline.

Blueprint Genetics
Classification: Likely benign. Last evaluated: 2024-11-01. Review status: criteria provided, single submitter. Criteria: ACMG Guidelines, 2015. Collection method: clinical testing. Allele origin: germline.

CeGaT Center for Human Genetics Tuebingen
Classification: Benign. Last evaluated: 2022-08-01. Review status: criteria provided, single submitter. Criteria: CeGaT Center For Human Genetics Tuebingen Variant Classification Criteria Version 2. Collection method: clinical testing. Allele origin: germline. Affected: yes. Observed: 1 variant allele.
Comment: RIMS1: BS1, BS2

Illumina Laboratory Services, Illumina
Classification: Benign for Cone-rod dystrophy 7. Last evaluated: 2018-01-12. Review status: criteria provided, single submitter. Criteria: ICSL Variant Classification Criteria 13 December 2019. Collection method: clinical testing. Allele origin: germline.
Comment: This variant was observed in the ICSL laboratory as part of a predisposition screen in an ostensibly healthy population. It had not been previously curated by ICSL or reported in the Human Gene Mutation Database (HGMD: prior to June 1st, 2018), and was therefore a candidate for classification through an automated scoring system. Utilizing variant allele frequency, disease prevalence and penetrance estimates, and inheritance mode, an automated score was calculated to assess if this variant is too frequent to cause the disease. Based on the score and internal cut-off values, a variant classified as benign is not then subjected to further curation. The score for this variant resulted in a classification of benign for this disease.

Eurofins Ntd Llc (ga)
Classification: Uncertain significance. Last evaluated: 2015-04-28. Review status: criteria provided, single submitter. Criteria: EGL Classification Definitions 2015. Collection method: clinical testing. Allele origin: germline. Observed: 2 variant alleles, 1 heterozygote.

Clinical Genetics DNA and cytogenetics Diagnostics Lab, Erasmus MC, Erasmus Medical Center
Classification: Likely benign. Review status: no assertion criteria provided. Collection method: clinical testing. Allele origin: germline. Affected: yes. Study: VKGL Data-share Consensus. Not counted in ClinVar's aggregate classification.

Clinical Genetics, Academic Medical Center
Classification: Benign. Review status: no assertion criteria provided. Collection method: clinical testing. Allele origin: germline. Affected: yes. Study: VKGL Data-share Consensus. Not counted in ClinVar's aggregate classification.

NM_014989.7(RIMS1):c.2699-8T>C

Gene: RIMS1 (regulating synaptic membrane exocytosis 1; plus strand). Cytogenetic location: 6q13.
Variant type: single nucleotide variant.
Coding change: c.2699-8T>C on transcript NM_014989.7 (MANE Select); 8 bases into the intron before coding-DNA position 2699, T replaced by C.
Molecular consequence: intron variant.
Genome position (GRCh38, 1-based): chr6:72,252,753, T>C. VCF-style: chr6-72252753-T-C. GRCh37 (hg19) VCF-style: chr6-72962456-T-C.
Other names: c.1052-8T>C (NM_001350428.2, NM_001350459.2, NM_001350424.2 and 6 more transcripts); c.1121-8T>C (NM_001350458.2, NM_001350433.2, NM_001350446.2 and 37 more transcripts); c.878-8T>C (NM_001350469.2, NM_001168409.2, NM_001350466.2 and 6 more transcripts); c.1076-8T>C (NM_001350470.2, NM_001168410.2, NM_001350473.2 and 2 more transcripts).
Identifiers: ClinVar variation 194658 (VCV000194658.45), dbSNP rs149883454, ClinGen allele CA240749.
Genomic context (GRCh38, chr6:72,252,753, plus strand): 5'-GACAGTGCTCTTTACGTTTCATAAACCAACCAGACACAGAAGTATCTCTTTGCCTTACTG[T>C]TGTGCAGGATCTCAGCGAATCAGTGATAGTGACATCTCAGATTATGAGGTTGATGATGGT-3'